The following is an entry in ClinVar:

NM_001281740.3(FHOD3):c.4064A>C (p.Asp1355Ala)

Gene: FHOD3 (formin homology 2 domain containing 3; plus strand). Cytogenetic location: 18q12.2.
Variant type: single nucleotide variant.
Coding change: c.4064A>C on transcript NM_001281740.3 (MANE Select); coding-DNA position 4064, A replaced by C.
Protein change: p.Asp1355Ala; replaces aspartic acid 1355 with alanine.
Molecular consequence: missense variant.
Genome position (GRCh38, 1-based): chr18:36,746,967, A>C. VCF-style: chr18-36746967-A-C. GRCh37 (hg19) VCF-style: chr18-34326930-A-C.
Other names: c.3488A>C, p.Asp1163Ala (NM_001281739.3); c.3539A>C, p.Asp1180Ala (NM_025135.5); short protein forms D1163A, D1355A, D1180A.
Identifiers: ClinVar variation 4987235 (VCV004987235.1).

ClinVar aggregate classification (germline): Uncertain significance (1 of 4 stars; one submission).

Conditions:
FHOD3-related disorder. Also called: FHOD3-related condition.

gnomAD v4.1: 9 of 1,610,630 alleles (0.00056%); highest among the groups gnomAD compares: Middle Eastern, 0.033%; no homozygotes.

Submission:

PreventionGenetics, part of Exact Sciences
Classification: Uncertain significance for FHOD3-related condition. Last evaluated: 2026-03-29. Review status: criteria provided, single submitter. Criteria: ACMG Guidelines, 2015. Collection method: clinical testing. Allele origin: germline.
Comment: The FHOD3 c.4064A>C variant is predicted to result in the amino acid substitution p.Asp1355Ala. To our knowledge, this variant has not been reported in the literature. This variant is reported in 0.0027% of alleles in individuals of European (Non-Finnish) descent in gnomAD. At this time, the clinical significance of this variant is uncertain due to the absence of conclusive functional and genetic evidence.